The following is an entry in ClinVar:

NM_001376.5(DYNC1H1):c.2625G>A (p.Ser875=)

Gene: DYNC1H1 (dynein cytoplasmic 1 heavy chain 1; plus strand). Cytogenetic location: 14q32.31.
Variant type: single nucleotide variant.
Coding change: c.2625G>A on transcript NM_001376.5 (MANE Select); coding-DNA position 2625, G replaced by A.
Protein change: p.Ser875=; no amino-acid change (serine 875 retained).
Molecular consequence: synonymous variant.
Genome position (GRCh38, 1-based): chr14:101,987,539, G>A. VCF-style: chr14-101987539-G-A. GRCh37 (hg19) VCF-style: chr14-102453876-G-A.
Other names: p.Ser875=.
Identifiers: ClinVar variation 128933 (VCV000128933.39), dbSNP rs17512082, ClinGen allele CA152636.
Genomic context (GRCh38, chr14:101,987,539, plus strand): 5'-AAAAATAGACCTAGAAGTCCGTTCCTTGGAAACTTGTATGTATGACCATAAGACATTCTC[G>A]GAAATCTTGAACAGAGTCCAGAAAGCAGTGGATGACTTAAATCTGCACTCCTATTCCAAT-3'
Protein context (NP_001367.2, residues 865-885): ETCMYDHKTF[Ser875=]EILNRVQKAV

ClinVar aggregate classification (germline): Benign. Review status: criteria provided, multiple submitters, no conflicts (2 of 4 stars). 13 submissions from 12 submitters: Benign (10). 3 of the submissions do not count toward it. Last evaluated 2026-02-03.

Conditions:
Autosomal dominant cerebellar ataxia. Also called: Spinocerebellar Ataxia, Dominant. Identifiers: Orphanet 99, MedGen C4087347, MONDO:0020380.
Charcot-Marie-Tooth disease. Also called: Charcot-Marie-Tooth Neuropathy; Charcot-Marie-Tooth Hereditary Neuropathy. Identifiers: Orphanet 166, MedGen C0007959, MONDO:0015626.
Inborn genetic diseases. Identifiers: MedGen C0950123, MeSH D030342.
Charcot-Marie-Tooth disease axonal type 2O. Also called: CHARCOT-MARIE-TOOTH NEUROPATHY, AXONAL, TYPE 2O; CHARCOT-MARIE-TOOTH DISEASE, AXONAL, AUTOSOMAL DOMINANT, TYPE 2O; Charcot-Marie-Tooth Neuropathy Type 2O; Charcot-Marie-Tooth disease, axonal, type 20. Identifiers: Orphanet 284232, MedGen C3280220, MONDO:0013644, OMIM 614228.

Allele frequency attached by ClinVar (database versions not stated): ESP Exome Variant Server 0.00077; gnomAD exomes 0.00370 and 0.01173; gnomAD 0.00448 and 0.00559; TOPMed 0.00726; ExAC 0.00991; 1000 Genomes Project 30x 0.01686; 1000 Genomes Project 0.01797.
gnomAD v4.1: 6,299 of 1,614,044 alleles (0.39%); highest among the groups gnomAD compares: Admixed American, 4.2%; 138 homozygotes.

Submissions (13):

Labcorp Genetics (formerly Invitae), Labcorp
Classification: Benign for Charcot-Marie-Tooth disease axonal type 2O. Last evaluated: 2026-02-03. Review status: criteria provided, single submitter. Criteria: Invitae Variant Classification Sherloc (09022015). Collection method: clinical testing. Allele origin: germline.

ARUP Laboratories, Molecular Genetics and Genomics, ARUP Laboratories
Classification: Benign. Last evaluated: 2023-10-14. Review status: criteria provided, single submitter. Criteria: ARUP Molecular Germline Variant Investigation Process 2024. Collection method: clinical testing. Allele origin: germline.

Athena Diagnostics
Classification: Benign. Last evaluated: 2021-04-07. Review status: criteria provided, single submitter. Criteria: Athena Diagnostics criteria. Collection method: clinical testing. Allele origin: unknown.

Illumina Laboratory Services, Illumina
Classification: Benign for Spinocerebellar Ataxia, Dominant. Last evaluated: 2018-01-13. Review status: criteria provided, single submitter. Criteria: ICSL Variant Classification Criteria 13 December 2019. Collection method: clinical testing. Allele origin: germline.
Comment: This variant was observed in the ICSL laboratory as part of a predisposition screen in an ostensibly healthy population. It had not been previously curated by ICSL or reported in the Human Gene Mutation Database (HGMD: prior to June 1st, 2018), and was therefore a candidate for classification through an automated scoring system. Utilizing variant allele frequency, disease prevalence and penetrance estimates, and inheritance mode, an automated score was calculated to assess if this variant is too frequent to cause the disease. Based on the score and internal cut-off values, a variant classified as benign is not then subjected to further curation. The score for this variant resulted in a classification of benign for this disease.

Illumina Laboratory Services, Illumina
Classification: Benign for Charcot-Marie-Tooth disease axonal type 2O. Last evaluated: 2018-01-13. Review status: criteria provided, single submitter. Criteria: ICSL Variant Classification Criteria 13 December 2019. Collection method: clinical testing. Allele origin: germline.
Comment: the same text as in the submission from Illumina Laboratory Services, Illumina above.

Mayo Clinic Laboratories, Mayo Clinic
Classification: Benign. Last evaluated: 2016-06-15. Review status: criteria provided, single submitter. Criteria: ACMG Guidelines, 2015. Collection method: clinical testing. Allele origin: germline. Observed: 12 variant alleles.

Ambry Genetics
Classification: Benign for Inborn genetic diseases. Last evaluated: 2016-03-21. Review status: criteria provided, single submitter. Criteria: Ambry Variant Classification Scheme 2023. Collection method: clinical testing. Allele origin: germline.

GeneDx
Classification: Benign. Last evaluated: 2015-03-03. Review status: criteria provided, single submitter. Criteria: GeneDx Variant Classification Process June 2021. Collection method: clinical testing. Allele origin: germline. Affected: yes.

Breakthrough Genomics
Classification: Benign. Review status: criteria provided, single submitter. Criteria: ACMG Guidelines, 2015. Collection method: not provided. Allele origin: germline. Inheritance: Autosomal dominant inheritance. Affected: yes.

Molecular Genetics Laboratory, London Health Sciences Centre
Classification: Benign for Charcot-Marie-Tooth disease. Review status: criteria provided, single submitter. Criteria: ACMG Guidelines, 2015. Collection method: clinical testing. Allele origin: germline. Affected: yes.

Clinical Genetics DNA and cytogenetics Diagnostics Lab, Erasmus MC, Erasmus Medical Center
Classification: Benign. Review status: no assertion criteria provided. Collection method: clinical testing. Allele origin: germline. Affected: yes. Study: VKGL Data-share Consensus. Not counted in ClinVar's aggregate classification.

Clinical Genetics, Academic Medical Center
Classification: Benign. Review status: no assertion criteria provided. Collection method: clinical testing. Allele origin: germline. Affected: yes. Study: VKGL Data-share Consensus. Not counted in ClinVar's aggregate classification.

Genetic Services Laboratory, University of Chicago
Classification: Likely benign for AllHighlyPenetrant. Review status: no assertion criteria provided. Collection method: clinical testing. Allele origin: germline. Inheritance: Autosomal dominant inheritance. Not counted in ClinVar's aggregate classification.
Comment: Likely benign based on allele frequency in 1000 Genomes Project or ESP global frequency and its presence in a patient with a rare or unrelated disease phenotype. NOT Sanger confirmed.